The following is an entry in ClinVar:

NM_198503.5(KCNT2):c.3299A>G (p.Tyr1100Cys)

Gene: KCNT2 (potassium sodium-activated channel subfamily T member 2; minus strand). Cytogenetic location: 1q31.3.
Variant type: single nucleotide variant.
Coding change: c.3299A>G on transcript NM_198503.5 (MANE Select); coding-DNA position 3299, A replaced by G.
Protein change: p.Tyr1100Cys; replaces tyrosine 1100 with cysteine.
Molecular consequence: missense variant. On other transcripts: non-coding transcript variant (2).
Genome position (GRCh38, 1-based): chr1:196,228,333, T>C on the plus strand (A>G on the coding strand, the complement: KCNT2 is on the minus strand). VCF-style: chr1-196228333-T-C. GRCh37 (hg19) VCF-style: chr1-196197463-T-C.
Other names: c.3227A>G, p.Tyr1076Cys (NM_001287819.3); c.3098A>G, p.Tyr1033Cys (NM_001287820.3); short protein forms Y1033C, Y1076C, Y1100C.
Identifiers: ClinVar variation 2662055 (VCV002662055.1), dbSNP rs1653651798, ClinGen allele CA343973656.

ClinVar aggregate classification (germline): Uncertain significance (1 of 4 stars; one submission).

Allele frequency attached by ClinVar (database versions not stated): gnomAD exomes below 0.00001; TOPMed below 0.00001.
gnomAD v4.1: 1 of 1,567,832 alleles (0.000064%); highest among the groups gnomAD compares: Non-Finnish European, 0.000088%; no homozygotes.

Submission:

GeneDx
Classification: Uncertain significance. Last evaluated: 2023-10-09. Review status: criteria provided, single submitter. Criteria: GeneDx Variant Classification Process June 2021. Collection method: clinical testing. Allele origin: germline. Affected: yes.
Comment: Not observed at significant frequency in large population cohorts (gnomAD); In silico analysis supports that this missense variant has a deleterious effect on protein structure/function; Has not been previously published as pathogenic or benign to our knowledge